The following is an entry in ClinVar:

ClinVar aggregate classification (germline): Uncertain significance (1 of 4 stars; one submission).

Submission:

GeneDx
Classification: Uncertain significance. Last evaluated: 2019-04-02. Review status: criteria provided, single submitter. Criteria: GeneDx Variant Classification Process June 2021. Collection method: clinical testing. Allele origin: germline. Affected: yes.
Comment: Not observed in large population cohorts (Lek et al., 2016); In silico analysis, which includes splice predictors and evolutionary conservation, supports a deleterious effect; In the absence of RNA/functional studies, the actual effect of this sequence change is unknown; Has not been previously reported as pathogenic or benign to our knowledge

NM_001278293.3(ARL6):c.535+3A>C

Gene: ARL6 (ARF like GTPase 6; plus strand). Cytogenetic location: 3q11.2.
Variant type: single nucleotide variant.
Coding change: c.535+3A>C on transcript NM_001278293.3 (MANE Select); 3 bases into the intron after coding-DNA position 535, A replaced by C.
Molecular consequence: intron variant.
Genome position (GRCh38, 1-based): chr3:97,791,829, A>C. VCF-style: chr3-97791829-A-C. GRCh37 (hg19) VCF-style: chr3-97510673-A-C.
Other names: c.535+3A>C (NM_032146.5, NM_177976.3, NM_001323513.2); c.479+3710A>C (NM_001323514.2).
Identifiers: ClinVar variation 1320522 (VCV001320522.2), dbSNP rs2108084472, ClinGen allele CA2573052263.
Genomic context (GRCh38, chr3:97,791,829, plus strand): 5'-AGTGCTAGTGATGCCATAAAAGGAGAAGGCTTGCAAGAAGGTGTAGACTGGCTTCAAGGT[A>C]CATTACAAAATACTGTGTGTCTTCAGCCTTTGTTTCCTTTTTATTCATATTTTTATCTTT-3'